The following is an entry in ClinVar:

ClinVar aggregate classification (germline): Conflicting classifications of pathogenicity. Review status: criteria provided, conflicting classifications (1 of 4 stars). 3 submissions from 3 submitters: Uncertain significance (1); Benign (1); Likely benign (1). Last evaluated 2026-01-05.

Conditions:
Primary dilated cardiomyopathy (DCM). Also called: Dilated Cardiomyopathy. Identifiers: Orphanet 217604, MedGen C0007193, MeSH D002311, MONDO:0005021, HP:0001644. Inheritance: Various modes of inheritance.
Hypertrophic cardiomyopathy. Also called: HYPERTROPHIC MYOCARDIOPATHY. Identifiers: Orphanet 217569, MedGen C0007194, MeSH D002312, MONDO:0005045, HP:0001639.

Allele frequency attached by ClinVar (database versions not stated): ExAC 0.00013; gnomAD exomes 0.00006 and 0.00015; ESP Exome Variant Server 0.00062; 1000 Genomes Project 0.00040; TOPMed 0.00045; 1000 Genomes Project 30x 0.00062.
gnomAD v4.1: 159 of 1,613,544 alleles (0.0099%); highest among the groups gnomAD compares: African/African-American, 0.13%; no homozygotes.

Submissions (3):

Labcorp Genetics (formerly Invitae), Labcorp
Classification: Benign for Hypertrophic cardiomyopathy; Primary dilated cardiomyopathy. Last evaluated: 2026-01-05. Review status: criteria provided, single submitter. Criteria: Invitae Variant Classification Sherloc (09022015). Collection method: clinical testing. Allele origin: germline.

GeneDx
Classification: Likely benign. Last evaluated: 2021-02-26. Review status: criteria provided, single submitter. Criteria: GeneDx Variant Classification Process June 2021. Collection method: clinical testing. Allele origin: germline. Affected: yes.

Laboratory for Molecular Medicine, Mass General Brigham Personalized Medicine
Classification: Uncertain significance. Last evaluated: 2016-03-23. Review status: criteria provided, single submitter. Criteria: LMM Criteria. Collection method: clinical testing. Allele origin: germline. Observed: 1 variant allele.
Comment: The c.399-10A>G variant in PDLIM3 has not been previously reported in individual s with cardiomyopathy, but has been identified in 0.1% (10/9632) of African chro mosomes by the Exome Aggregation Consortium (ExAC, g; dbSNP rs199979457). This variant is located in the 3' splice region. Computat ional tools do not suggest an impact to splicing. However, this information is n ot predictive enough to rule out pathogenicity. In summary, the clinical signifi cance of the c.399-10A>G variant is uncertain.

NM_014476.6(PDLIM3):c.399-10A>G

Gene: PDLIM3 (PDZ and LIM domain 3; minus strand). Cytogenetic location: 4q35.1.
Variant type: single nucleotide variant.
Coding change: c.399-10A>G on transcript NM_014476.6 (MANE Select); 10 bases into the intron before coding-DNA position 399, A replaced by G.
Molecular consequence: intron variant.
Genome position (GRCh38, 1-based): chr4:185,508,572, T>C on the plus strand (A>G on the coding strand, the complement: PDLIM3 is on the minus strand). VCF-style: chr4-185508572-T-C. GRCh37 (hg19) VCF-style: chr4-186429726-T-C.
Other names: c.162-1920A>G (NM_001257963.2); c.399-1920A>G (NM_001257962.2); c.519-1920A>G (NM_001114107.5).
Identifiers: ClinVar variation 229141 (VCV000229141.20), dbSNP rs199979457, ClinGen allele CA3159785.